The following is an entry in ClinVar:

ClinVar aggregate classification (germline): Likely pathogenic (1 of 4 stars; one submission).

Conditions:
Alzahrani-Kuwahara syndrome. Also called: NEURODEVELOPMENTAL DISORDER WITH DYSMORPHIC FACIES AND CATARACTS. Identifiers: MedGen C5543274, MONDO:0859136, OMIM 619268.

gnomAD v4.1: 2 of 1,614,070 alleles (0.00012%); highest among the groups gnomAD compares: East Asian, 0.0022%; no homozygotes.

Submission:

Juno Genomics, Hangzhou Juno Genomics, Inc
Classification: Likely pathogenic for Alzahrani-Kuwahara syndrome. Review status: criteria provided, single submitter. Criteria: ACMG Guidelines, 2015. Collection method: clinical testing. Allele origin: germline.
Comment: Null variant in a gene where loss of function (LOF) is a known mechanism of disease.;Absent from controls (or at extremely low frequency if recessive) in Genome Aggregation Database.

NM_018149.7(SMG8):c.1641C>G (p.Tyr547Ter)

Gene: SMG8 (SMG8 nonsense mediated mRNA decay factor; plus strand). Cytogenetic location: 17q22.
Variant type: single nucleotide variant.
Coding change: c.1641C>G on transcript NM_018149.7 (MANE Select); coding-DNA position 1641, C replaced by G.
Protein change: p.Tyr547Ter; replaces tyrosine 547 with a stop codon.
Molecular consequence: nonsense.
Genome position (GRCh38, 1-based): chr17:59,211,692, C>G. VCF-style: chr17-59211692-C-G. GRCh37 (hg19) VCF-style: chr17-57289053-C-G.
Other names: short protein forms Y547*.
Identifiers: ClinVar variation 5005783 (VCV005005783.2).